The following is an entry in ClinVar:

NM_020247.5(COQ8A):c.117G>A (p.Ala39=)

Gene: COQ8A (coenzyme Q8A; plus strand). Cytogenetic location: 1q42.13.
Variant type: single nucleotide variant.
Coding change: c.117G>A on transcript NM_020247.5 (MANE Select); coding-DNA position 117, G replaced by A.
Protein change: p.Ala39=; no amino-acid change (alanine 39 retained).
Molecular consequence: synonymous variant.
Genome position (GRCh38, 1-based): chr1:226,961,502, G>A. VCF-style: chr1-226961502-G-A. GRCh37 (hg19) VCF-style: chr1-227149203-G-A.
Identifiers: ClinVar variation 128273 (VCV000128273.35), dbSNP rs11549708, ClinGen allele CA151595.

ClinVar aggregate classification (germline): Benign/Likely benign. Review status: criteria provided, multiple submitters, no conflicts (2 of 4 stars). 14 submissions from 14 submitters: Benign (8); Likely benign (1). 5 of the submissions do not count toward it. Last evaluated 2026-02-04.

Conditions:
Autosomal recessive ataxia due to ubiquinone deficiency. Also called: Coenzyme Q10 deficiency, primary, 4; SPINOCEREBELLAR ATAXIA, AUTOSOMAL RECESSIVE 9. Identifiers: Orphanet 139485, MedGen C2677589, MONDO:0012784, OMIM 612016.

Allele frequency attached by ClinVar (database versions not stated): 1000 Genomes Project 0.08067; 1000 Genomes Project 30x 0.08479; TOPMed 0.15102; gnomAD 0.16017 and 0.16388; ExAC 0.16432; gnomAD exomes 0.16448 and 0.21990; ESP Exome Variant Server 0.17687.
gnomAD v4.1: 344,791 of 1,613,802 alleles (21%); highest among the groups gnomAD compares: Non-Finnish European, 25%; 41,430 homozygotes.

Submissions (14):

Labcorp Genetics (formerly Invitae), Labcorp
Classification: Benign. Last evaluated: 2026-02-04. Review status: criteria provided, single submitter. Criteria: Invitae Variant Classification Sherloc (09022015). Collection method: clinical testing. Allele origin: germline.

Blueprint Genetics
Classification: Likely benign. Last evaluated: 2024-11-26. Review status: criteria provided, single submitter. Criteria: ACMG Guidelines, 2015. Collection method: clinical testing. Allele origin: germline.

Genome-Nilou Lab
Classification: Benign for Autosomal recessive ataxia due to ubiquinone deficiency. Last evaluated: 2021-07-14. Review status: criteria provided, single submitter. Criteria: ACMG Guidelines, 2015. Collection method: clinical testing. Allele origin: germline. Affected: no.

Athena Diagnostics
Classification: Benign. Last evaluated: 2019-07-23. Review status: criteria provided, single submitter. Criteria: Athena Diagnostics Criteria. Collection method: clinical testing. Allele origin: germline.

Illumina Laboratory Services, Illumina
Classification: Benign for Autosomal recessive ataxia due to ubiquinone deficiency. Last evaluated: 2018-01-13. Review status: criteria provided, single submitter. Criteria: ICSL Variant Classification Criteria 13 December 2019. Collection method: clinical testing. Allele origin: germline.
Comment: This variant was observed in the ICSL laboratory as part of a predisposition screen in an ostensibly healthy population. It had not been previously curated by ICSL or reported in the Human Gene Mutation Database (HGMD: prior to June 1st, 2018), and was therefore a candidate for classification through an automated scoring system. Utilizing variant allele frequency, disease prevalence and penetrance estimates, and inheritance mode, an automated score was calculated to assess if this variant is too frequent to cause the disease. Based on the score and internal cut-off values, a variant classified as benign is not then subjected to further curation. The score for this variant resulted in a classification of benign for this disease.

Eurofins Ntd Llc (ga)
Classification: Benign. Last evaluated: 2016-01-08. Review status: criteria provided, single submitter. Criteria: EGL Classification Definitions 2015. Collection method: clinical testing. Allele origin: germline. Observed: 1 variant allele, 1 heterozygote.

Clinical Genetics DNA and cytogenetics Diagnostics Lab, Erasmus MC, Erasmus Medical Center
Classification: Benign for Autosomal recessive ataxia due to ubiquinone deficiency. Last evaluated: 2015-09-21. Review status: criteria provided, single submitter. Criteria: ACGS Guidelines, 2013. Collection method: clinical testing. Allele origin: germline. Affected: yes. Study: VKGL Data-share Consensus.

GeneDx
Classification: Benign. Last evaluated: 2015-03-03. Review status: criteria provided, single submitter. Criteria: GeneDx Variant Classification Process June 2021. Collection method: clinical testing. Allele origin: germline. Affected: yes.

Breakthrough Genomics
Classification: Benign. Review status: criteria provided, single submitter. Criteria: ACMG Guidelines, 2015. Collection method: not provided. Allele origin: germline. Inheritance: Autosomal recessive inheritance. Affected: yes.

Mayo Clinic Laboratories, Mayo Clinic
Classification: Benign. Last evaluated: 2016-02-11. Review status: no assertion criteria provided. Collection method: clinical testing. Allele origin: unknown. Not counted in ClinVar's aggregate classification.

Clinical Genetics, Academic Medical Center
Classification: Benign. Review status: no assertion criteria provided. Collection method: clinical testing. Allele origin: germline. Affected: yes. Study: VKGL Data-share Consensus. Not counted in ClinVar's aggregate classification.

Diagnostic Laboratory, Department of Genetics, University Medical Center Groningen
Classification: Benign for Autosomal recessive ataxia due to ubiquinone deficiency. Review status: no assertion criteria provided. Collection method: clinical testing. Allele origin: germline. Affected: yes. Study: VKGL Data-share Consensus. Not counted in ClinVar's aggregate classification.

Genetic Services Laboratory, University of Chicago
Classification: Likely benign for AllHighlyPenetrant. Review status: no assertion criteria provided. Collection method: clinical testing. Allele origin: germline. Inheritance: Autosomal recessive inheritance. Not counted in ClinVar's aggregate classification.
Comment: Likely benign based on allele frequency in 1000 Genomes Project or ESP global frequency and its presence in a patient with a rare or unrelated disease phenotype. NOT Sanger confirmed.

Joint Genome Diagnostic Labs from Nijmegen and Maastricht, Radboudumc and MUMC+
Classification: Benign. Review status: no assertion criteria provided. Collection method: clinical testing. Allele origin: germline. Affected: yes. Study: VKGL Data-share Consensus. Not counted in ClinVar's aggregate classification.